The following is an entry in ClinVar:

NM_001128431.4(SLC39A14):c.781G>C (p.Glu261Gln)

Gene: SLC39A14 (solute carrier family 39 member 14; plus strand). Cytogenetic location: 8p21.3.
Variant type: single nucleotide variant.
Coding change: c.781G>C on transcript NM_001128431.4 (MANE Select); coding-DNA position 781, G replaced by C.
Protein change: p.Glu261Gln; replaces glutamic acid 261 with glutamine.
Molecular consequence: missense variant.
Genome position (GRCh38, 1-based): chr8:22,415,799, G>C. VCF-style: chr8-22415799-G-C. GRCh37 (hg19) VCF-style: chr8-22273312-G-C.
Other names: c.781G>C, p.Glu261Gln (NM_001135153.3, NM_001135154.3, NM_001351655.2 and 3 more transcripts); c.811G>C, p.Glu271Gln (NM_001351657.2, NM_001351658.2, NM_001351659.2); short protein forms E261Q, E271Q.
Identifiers: ClinVar variation 3359537 (VCV003359537.1).

ClinVar aggregate classification (germline): Uncertain significance (1 of 4 stars; one submission).

gnomAD v4.1: 5 of 1,613,084 alleles (0.00031%); highest among the groups gnomAD compares: Non-Finnish European, 0.00042%; no homozygotes.

Submission:

GeneDx
Classification: Uncertain significance. Last evaluated: 2023-06-07. Review status: criteria provided, single submitter. Criteria: GeneDx Variant Classification Process June 2021. Collection method: clinical testing. Allele origin: germline. Affected: yes.
Comment: Not observed at significant frequency in large population cohorts (gnomAD); In silico analysis supports that this missense variant does not alter protein structure/function; Has not been previously published as pathogenic or benign to our knowledge